The following is an entry in ClinVar:

NM_000059.4(BRCA2):c.8614G>A (p.Glu2872Lys)

Gene: BRCA2 (BRCA2 DNA repair associated; plus strand). Cytogenetic location: 13q13.1.
Variant type: single nucleotide variant.
Coding change: c.8614G>A on transcript NM_000059.4 (MANE Select); coding-DNA position 8614, G replaced by A.
Protein change: p.Glu2872Lys; replaces glutamic acid 2872 with lysine.
Molecular consequence: missense variant.
Genome position (GRCh38, 1-based): chr13:32,371,082, G>A. VCF-style: chr13-32371082-G-A. GRCh37 (hg19) VCF-style: chr13-32945219-G-A.
Other names: short protein forms E2872K.
Identifiers: ClinVar variation 433827 (VCV000433827.23), dbSNP rs1555287788, ClinGen allele CA387752940.

ClinVar aggregate classification (germline): Conflicting classifications of pathogenicity. Review status: criteria provided, conflicting classifications (1 of 4 stars). 6 submissions from 6 submitters: Uncertain significance (4); Likely benign (1). 1 of the submissions does not count toward it. Last evaluated 2025-06-29.

Conditions:
Breast and/or ovarian cancer. Identifiers: MedGen CN221562.
Hereditary cancer-predisposing syndrome. Also called: Hereditary Cancer Syndrome; Hereditary neoplastic syndrome; Neoplastic Syndromes, Hereditary; Tumor predisposition. Identifiers: Orphanet 140162, MedGen C0027672, MeSH D009386, MONDO:0015356.
Hereditary breast ovarian cancer syndrome. Also called: Hereditary breast and ovarian cancer syndrome (HBOC); Breast and ovarian cancer; BRCA1- and BRCA2-Associated Hereditary Breast and Ovarian Cancer; Hereditary breast and/or ovarian cancer syndrome; Hereditary breast and ovarian cancer; Hereditary breast and ovarian cancer syndrome. Identifiers: Orphanet 145, MedGen C0677776, MeSH D061325, MONDO:0003582. Disease mechanism: loss of function.
Malignant tumor of breast. Also called: Malignant breast neoplasm; Cancer breast. Identifiers: MedGen C0006142, MONDO:0007254. Disease mechanism: loss of function.

Allele frequency attached by ClinVar (database versions not stated): gnomAD exomes below 0.00001.
gnomAD v4.1: 3 of 1,613,946 alleles (0.00019%); highest among the groups gnomAD compares: Non-Finnish European, 0.00025%; no homozygotes.

Submissions (6):

Labcorp Genetics (formerly Invitae), Labcorp
Classification: Uncertain significance for Hereditary breast ovarian cancer syndrome. Last evaluated: 2025-06-29. Review status: criteria provided, single submitter. Criteria: Invitae Variant Classification Sherloc (09022015). Collection method: clinical testing. Allele origin: germline.
Comment: This sequence change replaces glutamic acid, which is acidic and polar, with lysine, which is basic and polar, at codon 2872 of the BRCA2 protein (p.Glu2872Lys). This variant is not present in population databases (gnomAD no frequency). This variant has not been reported in the literature in individuals affected with BRCA2-related conditions. ClinVar contains an entry for this variant (Variation ID: 433827). Invitae Evidence Modeling of protein sequence and biophysical properties (such as structural, functional, and spatial information, amino acid conservation, physicochemical variation, residue mobility, and thermodynamic stability) indicates that this missense variant is not expected to disrupt BRCA2 protein function with a negative predictive value of 95%. In summary, the available evidence is currently insufficient to determine the role of this variant in disease. Therefore, it has been classified as a Variant of Uncertain Significance.

Ambry Genetics
Classification: Likely benign for Hereditary cancer-predisposing syndrome. Last evaluated: 2025-05-15. Review status: criteria provided, single submitter. Criteria: Ambry Variant Classification Scheme 2023. Collection method: clinical testing. Allele origin: germline.

GeneDx
Classification: Uncertain significance. Last evaluated: 2022-10-18. Review status: criteria provided, single submitter. Criteria: GeneDx Variant Classification Process June 2021. Collection method: clinical testing. Allele origin: germline. Affected: yes.
Comment: Not observed at significant frequency in large population cohorts (gnomAD); In silico analysis supports that this missense variant does not alter protein structure/function; Has not been previously published as pathogenic or benign to our knowledge; Also known as 8842G>A; This variant is associated with the following publications: (PMID: 12228710, 31911673)

Color Diagnostics, LLC DBA Color Health
Classification: Uncertain significance for Hereditary cancer-predisposing syndrome. Last evaluated: 2022-02-02. Review status: criteria provided, single submitter. Criteria: ACMG Guidelines, 2015. Collection method: clinical testing. Allele origin: germline.
Comment: This missense variant replaces glutamic acid with lysine at codon 2872 of the BRCA2 protein. Computational prediction suggests that this variant may not impact protein structure and function (internally defined REVEL score threshold <= 0.5, PMID: 27666373). To our knowledge, functional studies have not been reported for this variant. In a large breast cancer case-control study, this variant was observed in 0/60466 cases and 1/53461 controls (Leiden Open Variation Database DB-ID BRCA2_008685; PMID: 33471991). This variant has not been identified in the general population by the Genome Aggregation Database (gnomAD). The available evidence is insufficient to determine the role of this variant in disease conclusively. Therefore, this variant is classified as a Variant of Uncertain Significance.

CHEO Genetics Diagnostic Laboratory, Children's Hospital of Eastern Ontario
Classification: Uncertain significance for Breast and/or ovarian cancer. Last evaluated: 2021-08-17. Review status: criteria provided, single submitter. Criteria: ACMG Guidelines, 2015. Collection method: clinical testing. Allele origin: germline.

Department of Pathology and Laboratory Medicine, Sinai Health System
Classification: Uncertain significance for Malignant tumor of breast. Review status: no assertion criteria provided. Collection method: clinical testing. Allele origin: unknown. Affected: yes. Observed: 2 variant alleles. Study: The Canadian Open Genetics Repository (COGR). Not counted in ClinVar's aggregate classification.
Comment: The BRCA2 p.Glu2872Lys variant was not identified in the literature, nor was it identified in the dbSNP, NHLBI Exome Sequencing Project (Exome Variant Server), HGMD, LOVD, COSMIC, UMD, or BIC databases. The p.Glu2872 residue is conserved across mammals but not lower organisms and computational analyses (PolyPhen-2, SIFT, AlignGVGD) suggest that the p.Glu2872Lys variant may impact the protein. However, this information is not predictive enough to assume pathogenicity. In summary, based on the above information, the clinical significance of this variant cannot be determined with certainty at this time. This variant is classified as a variant of unknown significance.